The following is an entry in ClinVar:

ClinVar aggregate classification (germline): Likely benign (1 of 4 stars; one submission).

Allele frequency attached by ClinVar (database versions not stated): TOPMed below 0.00001; gnomAD exomes 0.00001; ExAC 0.00003.
gnomAD v4.1: 13 of 1,210,451 alleles (0.0011%); highest among the groups gnomAD compares: East Asian, 0.0089%; no homozygotes.

Submission:

CeGaT Center for Human Genetics Tuebingen
Classification: Likely benign. Last evaluated: 2023-02-01. Review status: criteria provided, single submitter. Criteria: CeGaT Center For Human Genetics Tuebingen Variant Classification Criteria Version 2. Collection method: clinical testing. Allele origin: germline. Affected: yes. Observed: 1 variant allele.
Comment: SH3KBP1: BP4, BP7

NM_031892.3(SH3KBP1):c.366C>T (p.Gly122=)

Gene: SH3KBP1 (SH3 domain containing kinase binding protein 1; minus strand). Cytogenetic location: Xp22.12.
Variant type: single nucleotide variant.
Coding change: c.366C>T on transcript NM_031892.3 (MANE Select); coding-DNA position 366, C replaced by T.
Protein change: p.Gly122=; no amino-acid change (glycine 122 retained).
Molecular consequence: synonymous variant.
Genome position (GRCh38, 1-based): chrX:19,706,905, G>A on the plus strand (C>T on the coding strand, the complement: SH3KBP1 is on the minus strand). VCF-style: chrX-19706905-G-A. GRCh37 (hg19) VCF-style: chrX-19725023-G-A.
Other names: c.255C>T, p.Gly85= (NM_001024666.3); c.366C>T, p.Gly122= (NM_001353890.2, NM_001353891.2, NM_001353892.2 and 2 more transcripts); c.189C>T, p.Gly63= (NM_001353893.2, NM_001353894.2, NM_001353895.2 and 1 more transcripts).
Identifiers: ClinVar variation 2660133 (VCV002660133.24), dbSNP rs746924583, ClinGen allele CA10364892.